The following is an entry in ClinVar:

ClinVar aggregate classification (germline): Uncertain significance. Review status: criteria provided, multiple submitters, no conflicts (2 of 4 stars). 2 submissions from 2 submitters: Uncertain significance (2). Last evaluated 2025-08-29.

gnomAD v4.1: 28 of 1,613,970 alleles (0.0017%); highest among the groups gnomAD compares: Non-Finnish European, 0.0022%; no homozygotes.

Submissions (2):

Ambry Genetics
Classification: Uncertain significance. Last evaluated: 2025-08-29. Review status: criteria provided, single submitter. Criteria: Ambry Variant Classification Scheme 2023. Collection method: clinical testing. Allele origin: germline.

Labcorp Genetics (formerly Invitae), Labcorp
Classification: Uncertain significance. Last evaluated: 2024-08-13. Review status: criteria provided, single submitter. Criteria: Invitae Variant Classification Sherloc (09022015). Collection method: clinical testing. Allele origin: germline.
Comment: This sequence change replaces glycine, which is neutral and non-polar, with tryptophan, which is neutral and slightly polar, at codon 339 of the ZIC4 protein (p.Gly339Trp). This variant is present in population databases (rs767796917, gnomAD 0.006%). This variant has not been reported in the literature in individuals affected with ZIC4-related conditions. An algorithm developed to predict the effect of missense changes on protein structure and function (PolyPhen-2) suggests that this variant is likely to be disruptive. In summary, the available evidence is currently insufficient to determine the role of this variant in disease. Therefore, it has been classified as a Variant of Uncertain Significance.

NM_032153.6(ZIC4):c.865G>T (p.Gly289Trp)

Gene: ZIC4 (Zic family zinc finger 4; minus strand). Cytogenetic location: 3q24.
Variant type: single nucleotide variant.
Coding change: c.865G>T on transcript NM_032153.6 (MANE Select); coding-DNA position 865, G replaced by T.
Protein change: p.Gly289Trp; replaces glycine 289 with tryptophan.
Molecular consequence: missense variant. On other transcripts: non-coding transcript variant (3).
Genome position (GRCh38, 1-based): chr3:147,391,070, C>A on the plus strand (G>T on the coding strand, the complement: ZIC4 is on the minus strand). VCF-style: chr3-147391070-C-A. GRCh37 (hg19) VCF-style: chr3-147108857-C-A.
Other names: c.1015G>T, p.Gly339Trp (NM_001168378.1); c.979G>T, p.Gly327Trp (NM_001168379.2); c.247G>T, p.Gly83Trp (NM_001243256.2); short protein forms G289W, G339W, G83W, G327W.
Identifiers: ClinVar variation 2693766 (VCV002693766.4), dbSNP rs767796917, ClinGen allele CA2656701.